The following is an entry in ClinVar:

ClinVar aggregate classification (germline): Conflicting classifications of pathogenicity. Review status: criteria provided, conflicting classifications (1 of 4 stars). 3 submissions from 3 submitters: Uncertain significance (1); Likely benign (2). Last evaluated 2024-07-02.

Conditions:
Inborn genetic diseases. Identifiers: MedGen C0950123, MeSH D030342.

Allele frequency attached by ClinVar (database versions not stated): TOPMed below 0.00001; gnomAD 0.00001; gnomAD exomes 0.00005 and 0.00007; ExAC 0.00007.
gnomAD v4.1: 75 of 1,613,992 alleles (0.0046%); highest among the groups gnomAD compares: South Asian, 0.076%; 2 homozygotes.

Submissions (3):

Ambry Genetics
Classification: Uncertain significance for Inborn genetic diseases. Last evaluated: 2024-07-02. Review status: criteria provided, single submitter. Criteria: Ambry Variant Classification Scheme 2023. Collection method: clinical testing. Allele origin: germline.

CeGaT Center for Human Genetics Tuebingen
Classification: Likely benign. Last evaluated: 2023-10-01. Review status: criteria provided, single submitter. Criteria: CeGaT Center For Human Genetics Tuebingen Variant Classification Criteria Version 2. Collection method: clinical testing. Allele origin: germline. Affected: yes. Observed: 1 variant allele.
Comment: NUBPL: BS2

GeneDx
Classification: Likely benign. Last evaluated: 2020-05-12. Review status: criteria provided, single submitter. Criteria: GeneDx Variant Classification Process June 2021. Collection method: clinical testing. Allele origin: germline. Affected: yes.

NM_025152.3(NUBPL):c.217G>T (p.Ala73Ser)

Gene: NUBPL (NUBP iron-sulfur cluster assembly factor, mitochondrial; plus strand). Cytogenetic location: 14q12.
Variant type: single nucleotide variant.
Coding change: c.217G>T on transcript NM_025152.3 (MANE Select); coding-DNA position 217, G replaced by T.
Protein change: p.Ala73Ser; replaces alanine 73 with serine.
Molecular consequence: missense variant. On other transcripts: non-coding transcript variant (1).
Genome position (GRCh38, 1-based): chr14:31,562,176, G>T. VCF-style: chr14-31562176-G-T. GRCh37 (hg19) VCF-style: chr14-32031382-G-T.
Other names: short protein forms A73S.
Identifiers: ClinVar variation 1187969 (VCV001187969.27), dbSNP rs745351097, ClinGen allele CA7147745.
Genomic context (GRCh38, chr14:31,562,176, plus strand): 5'-ATGTCCCGAGGACTTCCAAAGCAGAAACCGATAGAAGGTGTTAAACAAGTTATAGTTGTG[G>T]CTTCTGGAAAGGGTGGAGTCGGAAAATCTACTACAGCAGGTATTATAGGATATTAATTCT-3'
Protein context (NP_079428.2, residues 63-83): IEGVKQVIVV[Ala73Ser]SGKGGVGKST